The following is an entry in ClinVar:

NM_032603.5(LOXL3):c.40C>A (p.Leu14Met)

Genes: DOK1 (docking protein 1; plus strand), LOXL3 (lysyl oxidase like 3; minus strand). Cytogenetic location: 2p13.1.
Variant type: single nucleotide variant.
Coding change: c.40C>A on transcript NM_032603.5 (MANE Select); coding-DNA position 40, C replaced by A.
Protein change: p.Leu14Met; replaces leucine 14 with methionine.
Molecular consequence: missense variant. On other transcripts: intron variant (1).
Genome position (GRCh38, 1-based): chr2:74,552,595, G>T on the plus strand (C>A on the coding strand, the complement: LOXL3 is on the minus strand). VCF-style: chr2-74552595-G-T. GRCh37 (hg19) VCF-style: chr2-74779722-G-T.
Other names: c.40C>A, p.Leu14Met (NM_001289164.3); c.-357-2559G>T (NM_001197260.2); short protein forms L14M.
Identifiers: ClinVar variation 1515341 (VCV001515341.7), dbSNP rs374069539, ClinGen allele CA1729276.

ClinVar aggregate classification (germline): Uncertain significance. Review status: criteria provided, multiple submitters, no conflicts (2 of 4 stars). 2 submissions from 2 submitters: Uncertain significance (2). Last evaluated 2025-11-24.

Allele frequency attached by ClinVar (database versions not stated): ExAC 0.00009; gnomAD exomes 0.00004; TOPMed 0.00006; ESP Exome Variant Server 0.00023.
gnomAD v4.1: 161 of 1,589,528 alleles (0.01%); highest among the groups gnomAD compares: Non-Finnish European, 0.013%; no homozygotes.

Submissions (2):

Ambry Genetics
Classification: Uncertain significance. Last evaluated: 2025-11-24. Review status: criteria provided, single submitter. Criteria: Ambry Variant Classification Scheme 2023. Collection method: clinical testing. Allele origin: germline.

Labcorp Genetics (formerly Invitae), Labcorp
Classification: Uncertain significance. Last evaluated: 2022-06-07. Review status: criteria provided, single submitter. Criteria: Invitae Variant Classification Sherloc (09022015). Collection method: clinical testing. Allele origin: germline.
Comment: This sequence change replaces leucine, which is neutral and non-polar, with methionine, which is neutral and non-polar, at codon 14 of the LOXL3 protein (p.Leu14Met). This variant is present in population databases (rs374069539, gnomAD 0.007%). This variant has not been reported in the literature in individuals affected with LOXL3-related conditions. ClinVar contains an entry for this variant (Variation ID: 1515341). Algorithms developed to predict the effect of missense changes on protein structure and function are either unavailable or do not agree on the potential impact of this missense change (SIFT: "Deleterious"; PolyPhen-2: "Probably Damaging"; Align-GVGD: "Class C0"). In summary, the available evidence is currently insufficient to determine the role of this variant in disease. Therefore, it has been classified as a Variant of Uncertain Significance.